The following is an entry in ClinVar:

NM_000159.4(GCDH):c.1044C>T (p.His348=)

Gene: GCDH (glutaryl-CoA dehydrogenase; plus strand). Cytogenetic location: 19p13.13.
Variant type: single nucleotide variant.
Coding change: c.1044C>T on transcript NM_000159.4 (MANE Select); coding-DNA position 1044, C replaced by T.
Protein change: p.His348=; no amino-acid change (histidine 348 retained).
Molecular consequence: synonymous variant. On other transcripts: non-coding transcript variant (2).
Genome position (GRCh38, 1-based): chr19:12,897,390, C>T. VCF-style: chr19-12897390-C-T. GRCh37 (hg19) VCF-style: chr19-13008204-C-T.
Other names: c.1044C>T (NM_000159.2); c.1044C>T, p.His348= (NM_013976.5).
Identifiers: ClinVar variation 702830 (VCV000702830.32), dbSNP rs140134376, ClinGen allele CA9234585.
Genomic context (GRCh38, chr19:12,897,390, plus strand): 5'-GAACCAGCTGATTCAGAAGAAGCTGGCAGACATGCTCACTGAGATTACCCTGGGCCTTCA[C>T]GCCTGCCTGCAGCTCGGCCGCTTGAAGGACCAGGACAAGTAGGGGCTGTGTGGTGGGGGC-3'
Protein context (NP_000150.1, residues 338-358): DMLTEITLGL[His348=]ACLQLGRLKD

ClinVar aggregate classification (germline): Likely benign. Review status: criteria provided, multiple submitters, no conflicts (2 of 4 stars). 6 submissions from 6 submitters: Likely benign (5). 1 of the submissions does not count toward it. Last evaluated 2026-05-01.

Conditions:
Inborn genetic diseases. Identifiers: MedGen C0950123, MeSH D030342.
Glutaric aciduria, type 1. Also called: Glutaryl-CoA dehydrogenase deficiency; Glutaricacidemia Type 1; Glutaric acidemia type I; Glutaricaciduria, type I; Glutaric Acidemia Type 1; GA I. Identifiers: Orphanet 25, MedGen C0268595, MONDO:0009281, OMIM 231670.

Allele frequency attached by ClinVar (database versions not stated): gnomAD exomes 0.00006; gnomAD 0.00032; TOPMed 0.00037; 1000 Genomes Project 0.00040; ESP Exome Variant Server 0.00046; 1000 Genomes Project 30x 0.00047.

Submissions (6):

CeGaT Center for Human Genetics Tuebingen
Classification: Likely benign. Last evaluated: 2026-05-01. Review status: criteria provided, single submitter. Criteria: CeGaT Center For Human Genetics Tuebingen Variant Classification Criteria Version 2. Collection method: clinical testing. Allele origin: germline. Affected: yes. Observed: 2 variant alleles.
Comment: GCDH: BP4, BP7

Labcorp Genetics (formerly Invitae), Labcorp
Classification: Likely benign for Glutaric aciduria, type 1. Last evaluated: 2025-12-14. Review status: criteria provided, single submitter. Criteria: Invitae Variant Classification Sherloc (09022015). Collection method: clinical testing. Allele origin: germline.

Blueprint Genetics
Classification: Likely benign. Last evaluated: 2024-10-04. Review status: criteria provided, single submitter. Criteria: ACMG Guidelines, 2015. Collection method: clinical testing. Allele origin: germline.

Ambry Genetics
Classification: Likely benign for Inborn genetic diseases. Last evaluated: 2023-01-08. Review status: criteria provided, single submitter. Criteria: Ambry Variant Classification Scheme 2023. Collection method: clinical testing. Allele origin: germline.

Breakthrough Genomics
Classification: Likely benign. Review status: criteria provided, single submitter. Criteria: ACMG Guidelines, 2015. Collection method: not provided. Allele origin: germline. Inheritance: Autosomal recessive inheritance. Affected: yes.

Natera, Inc.
Classification: Likely benign for Glutaric acidemia type 1. Last evaluated: 2020-01-10. Review status: no assertion criteria provided. Collection method: clinical testing. Allele origin: germline. Not counted in ClinVar's aggregate classification.